The following is an entry in ClinVar:

ClinVar aggregate classification (germline): Uncertain significance (1 of 4 stars; one submission).

Allele frequency attached by ClinVar (database versions not stated): TOPMed below 0.00001; gnomAD 0.00001.
gnomAD v4.1: 1 of 1,613,558 alleles (0.000062%); highest among the groups gnomAD compares: African/African-American, 0.0013%; no homozygotes.

Submission:

Labcorp Genetics (formerly Invitae), Labcorp
Classification: Uncertain significance. Last evaluated: 2022-05-04. Review status: criteria provided, single submitter. Criteria: Invitae Variant Classification Sherloc (09022015). Collection method: clinical testing. Allele origin: germline.
Comment: This variant is not present in population databases (gnomAD no frequency). Variants that disrupt the consensus splice site are a relatively common cause of aberrant splicing (PMID: 17576681, 9536098). Algorithms developed to predict the effect of sequence changes on RNA splicing suggest that this variant may create or strengthen a splice site. This variant has not been reported in the literature in individuals affected with CLTC-related conditions. This sequence change falls in intron 7 of the CLTC gene. It does not directly change the encoded amino acid sequence of the CLTC protein. It affects a nucleotide within the consensus splice site. In summary, the available evidence is currently insufficient to determine the role of this variant in disease. Therefore, it has been classified as a Variant of Uncertain Significance.

Literature cited by the submitters: PubMed 17576681; PubMed 9536098.

NM_004859.4(CLTC):c.1167+3A>G

Gene: CLTC (clathrin heavy chain; plus strand). Cytogenetic location: 17q23.1.
Variant type: single nucleotide variant.
Coding change: c.1167+3A>G on transcript NM_004859.4 (MANE Select); 3 bases into the intron after coding-DNA position 1167, A replaced by G.
Molecular consequence: intron variant.
Genome position (GRCh38, 1-based): chr17:59,660,591, A>G. VCF-style: chr17-59660591-A-G. GRCh37 (hg19) VCF-style: chr17-57737952-A-G.
Other names: c.1179+3A>G (NM_001288653.2).
Identifiers: ClinVar variation 1932010 (VCV001932010.5), dbSNP rs1391986035, ClinGen allele CA773620430.